The following is an entry in ClinVar:

NM_000051.4(ATM):c.8786+8_8786+11delinsCTAC

Genes: ATM (ATM serine/threonine kinase; plus strand), C11orf65 (chromosome 11 open reading frame 65; minus strand). Cytogenetic location: 11q22.3.
Variant type: Indel.
Coding change: c.8786+8_8786+11delinsCTAC on transcript NM_000051.4 (MANE Select); bases 8 to 11 of the intron after coding-DNA position 8786, ATAT replaced by CTAC.
Molecular consequence: intron variant.
Genome position (GRCh38, 1-based): chr11:108,353,888-108,353,891, ATAT replaced by CTAC. VCF-style: chr11-108353888-ATAT-CTAC. GRCh37 (hg19) VCF-style: chr11-108224615-ATAT-CTAC.
Other names: c.8786+8_8786+11delinsCTAC (NM_001351834.2); c.640+32029_640+32032delinsGTAG (NM_001330368.2); c.695-18599_695-18596delinsGTAG (NM_001351110.2).
Identifiers: ClinVar variation 3254431 (VCV003254431.1), dbSNP rs2547519084.

ClinVar aggregate classification (germline): Likely benign (1 of 4 stars; one submission).

Conditions:
Familial cancer of breast. Also called: hereditary breast carcinoma; BREAST CANCER, FAMILIAL; Hereditary breast cancer. Identifiers: Orphanet 227535, MedGen C0346153, MONDO:0016419, OMIM 114480. Disease mechanism: loss of function.

Submission:

Myriad Genetics, Inc.
Classification: Likely benign for Familial cancer of breast. Last evaluated: 2024-06-20. Review status: criteria provided, single submitter. Criteria: Myriad Autosomal Dominant, Autosomal Recessive and X-Linked Classification Criteria (2023). Collection method: clinical testing. Allele origin: unknown.
Comment: This variant is considered likely benign. This variant is intronic and is not expected to impact mRNA splicing.